The following is an entry in ClinVar:

ClinVar aggregate classification (germline): Uncertain significance (1 of 4 stars; one submission).

Conditions:
Neurofibromatosis, type 2 (SWNV). Also called: BILATERAL ACOUSTIC NEUROFIBROMATOSIS; NF2-Related Schwannomatosis; SCHWANNOMATOSIS, VESTIBULAR. Identifiers: Orphanet 637, MedGen C0027832, MONDO:0007039, OMIM 101000. Disease mechanism: loss of function.

Submission:

Labcorp Genetics (formerly Invitae), Labcorp
Classification: Uncertain significance for Neurofibromatosis, type 2. Last evaluated: 2023-10-17. Review status: criteria provided, single submitter. Criteria: Invitae Variant Classification Sherloc (09022015). Collection method: clinical testing. Allele origin: germline.
Comment: This sequence change replaces glutamic acid, which is acidic and polar, with aspartic acid, which is acidic and polar, at codon 541 of the NF2 protein (p.Glu541Asp). This variant is not present in population databases (gnomAD no frequency). This variant has not been reported in the literature in individuals affected with NF2-related conditions. Advanced modeling of protein sequence and biophysical properties (such as structural, functional, and spatial information, amino acid conservation, physicochemical variation, residue mobility, and thermodynamic stability) performed at Invitae indicates that this missense variant is not expected to disrupt NF2 protein function. In summary, the available evidence is currently insufficient to determine the role of this variant in disease. Therefore, it has been classified as a Variant of Uncertain Significance.

NM_000268.4(NF2):c.1623A>C (p.Glu541Asp)

Gene: NF2 (NF2, moesin-ezrin-radixin like (MERLIN) tumor suppressor; plus strand). Cytogenetic location: 22q12.2.
Variant type: single nucleotide variant.
Coding change: c.1623A>C on transcript NM_000268.4 (MANE Select); coding-DNA position 1623, A replaced by C.
Protein change: p.Glu541Asp; replaces glutamic acid 541 with aspartic acid.
Molecular consequence: missense variant. On other transcripts: intron variant (3).
Genome position (GRCh38, 1-based): chr22:29,681,487, A>C. VCF-style: chr22-29681487-A-C. GRCh37 (hg19) VCF-style: chr22-30077476-A-C.
Other names: c.1509A>C, p.Glu503Asp (NM_001407053.1, NM_001407056.1); c.1500A>C, p.Glu500Asp (NM_001407054.1, NM_001407058.1, NM_181829.3); c.1497A>C, p.Glu499Asp (NM_001407055.1, NM_181828.3); c.1488A>C, p.Glu496Asp (NM_001407057.1, NM_001407059.1); c.1365A>C, p.Glu455Asp (NM_001407062.1); c.1374A>C, p.Glu458Asp (NM_001407063.1, NM_181830.3, NM_181831.3); c.1089A>C, p.Glu363Asp (NM_001407065.1); c.1623A>C, p.Glu541Asp (NM_001407066.1, NM_016418.5, NM_181825.3 and 1 more transcripts); and 4 more; short protein forms E499D, E500D, E541D, E455D, E458D, E464D, E363D, E496D.
Identifiers: ClinVar variation 2842037 (VCV002842037.3), dbSNP rs923794442, ClinGen allele CA411150099.